The following is an entry in ClinVar:

ClinVar aggregate classification (germline): Uncertain significance. Review status: reviewed by expert panel (3 of 4 stars). 9 submissions from 8 submitters: Uncertain significance (1). 8 of the submissions do not count toward it. Last evaluated 2025-02-19.

Conditions:
Autosomal recessive nonsyndromic hearing loss 4 (DFNB4). Also called: Deafness, autosomal recessive 4, with enlarged vestibular aqueduct; DEAFNESS, AUTOSOMAL RECESSIVE 4, WITH ENLARGED VESTIBULAR AQUEDUCT, DIGENIC; Deafness, autosomal recessive 4; FOXI1-Related Pendred Syndrome; KCNJ10-Related Pendred Syndrome; Enlarged vestibular aqueduct, digenic. Identifiers: Orphanet 90636, MedGen C3538946, MONDO:0010933, OMIM 600791.
Pendred syndrome (PDS). Also called: DEAFNESS WITH GOITER; GOITER-DEAFNESS SYNDROME; HYPOTHYROIDISM, CONGENITAL, DUE TO DYSHORMONOGENESIS, 2B; Pendred's syndrome; Pendred Syndrome (PDS); THYROID DYSHORMONOGENESIS 2B. Identifiers: Orphanet 705, MedGen C0271829, MONDO:0010134, OMIM 274600.

Allele frequency attached by ClinVar (database versions not stated): gnomAD exomes 0.00006; gnomAD 0.00009 and 0.00010; ExAC 0.00010; TOPMed 0.00014; ESP Exome Variant Server 0.00031.
gnomAD v4.1: 93 of 1,585,634 alleles (0.0059%); highest among the groups gnomAD compares: Middle Eastern, 0.033%; no homozygotes.

Submissions (9):

ClinGen Hearing Loss Variant Curation Expert Panel
Classification: Uncertain significance for Pendred syndrome. Last evaluated: 2025-02-19. Review status: reviewed by expert panel. Criteria: Clingen Hl Acmg Specifications Cdh23 Coch Gjb2 Kcnq4 Myo6 Myo7a Slc26a4 Tecta Ush2a V2. Collection method: curation. Allele origin: germline. Inheritance: Autosomal recessive inheritance.
Comment: The c.2291C>T (NM_000441.2(SLC26A4):c.2291C>T (p.Thr764Met)) variant is a missense variant predicted to cause substitution of threonine by methionine at amino acid 764. The highest MAF in gnomAD v4.0.0 is 0.03221 % (2/6022 alleles) in the Middle Eastern population. The next highest MAF in gnomAD is 0.0175 % (13/74302 alleles) in the African/African American population (no population codes met by either frequency). In-silico predictons are conflicting (ie. damaging, neutral, and tolerated). Also, the nucleotide is very poorly conserved among 1000 vertebrates. In summary, this variant meets the criteria to be classified as uncertain significance for autosomal recessive Pendred Syndrome (no codes met; ClinGen Hearing Loss VCEP Specifications Version 2; 02/19/2025).

GeneDx
Classification: Uncertain significance. Last evaluated: 2026-09-09. Review status: criteria provided, single submitter. Criteria: GeneDx Variant Classification Process June 2021. Collection method: clinical testing. Allele origin: germline. Not counted in ClinVar's aggregate classification.
Comment: In silico analysis suggests that this missense variant does not alter protein structure/function; This variant is associated with the following publications: (PMID: 30311386)

Labcorp Genetics (formerly Invitae), Labcorp
Classification: Likely benign. Last evaluated: 2026-01-13. Review status: criteria provided, single submitter. Criteria: Invitae Variant Classification Sherloc (09022015). Collection method: clinical testing. Allele origin: germline. Not counted in ClinVar's aggregate classification.

Blueprint Genetics
Classification: Uncertain significance. Last evaluated: 2024-08-02. Review status: criteria provided, single submitter. Criteria: ACMG Guidelines, 2015. Collection method: clinical testing. Allele origin: germline. Not counted in ClinVar's aggregate classification.

Fulgent Genetics
Classification: Uncertain significance for Pendred syndrome; Autosomal recessive nonsyndromic hearing loss 4. Last evaluated: 2018-10-31. Review status: criteria provided, single submitter. Criteria: ACMG Guidelines, 2015. Collection method: clinical testing. Allele origin: unknown. Not counted in ClinVar's aggregate classification.

Illumina Laboratory Services, Illumina
Classification: Uncertain significance for Autosomal recessive nonsyndromic hearing loss 4. Last evaluated: 2018-01-12. Review status: criteria provided, single submitter. Criteria: ICSL Variant Classification Criteria 13 December 2019. Collection method: clinical testing. Allele origin: germline. Not counted in ClinVar's aggregate classification.

Illumina Laboratory Services, Illumina
Classification: Uncertain significance for Pendred syndrome. Last evaluated: 2018-01-12. Review status: criteria provided, single submitter. Criteria: ICSL Variant Classification Criteria 13 December 2019. Collection method: clinical testing. Allele origin: germline. Not counted in ClinVar's aggregate classification.

Laboratory for Molecular Medicine, Mass General Brigham Personalized Medicine
Classification: Uncertain significance. Last evaluated: 2012-07-25. Review status: criteria provided, single submitter. Criteria: LMM Criteria. Collection method: clinical testing. Allele origin: germline. Observed: 1 variant allele. Not counted in ClinVar's aggregate classification.
Comment: Variant classified as Uncertain Significance - Favor Benign. The Thr764Met varia nt in SLC26A4 has not been reported in the literature nor previously identified by our laboratory. It has been identified in 0.01% (1/8600) of European America n chromosomes and 0.07% (3/4406) of African American chromosomes from a broad po pulation by the NHLBI Exome Sequencing Project (dbSNP rs150597240), but this frequency is not high enough to rule out a patho genic role. Computational analyses (biochemical amino acid properties, conservat ion, AlignGVGD, PolyPhen2, and SIFT) do not provide strong support for or agains t an impact to the protein. In summary, the clinical significance of this varian t cannot be determined without additional data.

Natera, Inc.
Classification: Uncertain significance for Pendred syndrome. Last evaluated: 2020-09-16. Review status: no assertion criteria provided. Collection method: clinical testing. Allele origin: germline. Not counted in ClinVar's aggregate classification.

NM_000441.2(SLC26A4):c.2291C>T (p.Thr764Met)

Gene: SLC26A4 (solute carrier family 26 member 4; plus strand). Cytogenetic location: 7q22.3.
Variant type: single nucleotide variant.
Coding change: c.2291C>T on transcript NM_000441.2 (MANE Select); coding-DNA position 2291, C replaced by T.
Protein change: p.Thr764Met; replaces threonine 764 with methionine.
Molecular consequence: missense variant.
Genome position (GRCh38, 1-based): chr7:107,712,594, C>T. VCF-style: chr7-107712594-C-T. GRCh37 (hg19) VCF-style: chr7-107353039-C-T.
Other names: NM_000441.1(SLC26A4):c.2291C>T(p.Thr764Met); NM_000441.1(SLC26A4):c.2291C>T; short protein forms T764M.
Identifiers: ClinVar variation 43546 (VCV000043546.21), dbSNP rs150597240, ClinGen allele CA132713.